The following is an entry in ClinVar:

NM_003998.4(NFKB1):c.1562C>T (p.Ala521Val)

Gene: NFKB1 (nuclear factor kappa B subunit 1; plus strand). Cytogenetic location: 4q24.
Variant type: single nucleotide variant.
Coding change: c.1562C>T on transcript NM_003998.4 (MANE Select); coding-DNA position 1562, C replaced by T.
Protein change: p.Ala521Val; replaces alanine 521 with valine.
Molecular consequence: missense variant.
Genome position (GRCh38, 1-based): chr4:102,597,586, C>T. VCF-style: chr4-102597586-C-T. GRCh37 (hg19) VCF-style: chr4-103518743-C-T.
Other names: c.1559C>T, p.Ala520Val (NM_001165412.2, NM_001319226.2, NM_001382627.1); c.1562C>T, p.Ala521Val (NM_001382625.1, NM_001382626.1); c.1520C>T, p.Ala507Val (NM_001382628.1); c.1562C>T (NM_003998.3); short protein forms A521V, A507V, A520V.
Identifiers: ClinVar variation 2063988 (VCV002063988.5), dbSNP rs769204159, ClinGen allele CA3026200.

ClinVar aggregate classification (germline): Uncertain significance. Review status: criteria provided, multiple submitters, no conflicts (2 of 4 stars). 2 submissions from 2 submitters: Uncertain significance (2). Last evaluated 2025-05-04.

Conditions:
NFKB1-related disorder. Also called: NFKB1-related condition.

Allele frequency attached by ClinVar (database versions not stated): ExAC 0.00002; gnomAD exomes 0.00003; TOPMed 0.00006; gnomAD 0.00007.
gnomAD v4.1: 60 of 1,613,818 alleles (0.0037%); highest among the groups gnomAD compares: East Asian, 0.08%; no homozygotes.

Submissions (2):

Labcorp Genetics (formerly Invitae), Labcorp
Classification: Uncertain significance. Last evaluated: 2025-05-04. Review status: criteria provided, single submitter. Criteria: Invitae Variant Classification Sherloc (09022015). Collection method: clinical testing. Allele origin: germline.
Comment: This sequence change replaces alanine, which is neutral and non-polar, with valine, which is neutral and non-polar, at codon 521 of the NFKB1 protein (p.Ala521Val). This variant is present in population databases (rs769204159, gnomAD 0.03%). This variant has not been reported in the literature in individuals affected with NFKB1-related conditions. ClinVar contains an entry for this variant (Variation ID: 2063988). Invitae Evidence Modeling of protein sequence and biophysical properties (such as structural, functional, and spatial information, amino acid conservation, physicochemical variation, residue mobility, and thermodynamic stability) indicates that this missense variant is not expected to disrupt NFKB1 protein function with a negative predictive value of 80%. In summary, the available evidence is currently insufficient to determine the role of this variant in disease. Therefore, it has been classified as a Variant of Uncertain Significance.

PreventionGenetics, part of Exact Sciences
Classification: Uncertain significance for NFKB1-related condition. Last evaluated: 2025-03-16. Review status: criteria provided, single submitter. Criteria: ACMG Guidelines, 2015. Collection method: clinical testing. Allele origin: germline.
Comment: The NFKB1 c.1562C>T variant is predicted to result in the amino acid substitution p.Ala521Val. To our knowledge, this variant has not been reported in the literature. This variant is reported in 0.030% of alleles in individuals of East Asian descent in gnomAD. At this time, the clinical significance of this variant is uncertain due to the absence of conclusive functional and genetic evidence.